The following is an entry in ClinVar:

NM_014159.7(SETD2):c.6259G>A (p.Ala2087Thr)

Gene: SETD2 (SET domain containing 2, histone lysine methyltransferase; minus strand). Cytogenetic location: 3p21.31.
Variant type: single nucleotide variant.
Coding change: c.6259G>A on transcript NM_014159.7 (MANE Select); coding-DNA position 6259, G replaced by A.
Protein change: p.Ala2087Thr; replaces alanine 2087 with threonine.
Molecular consequence: missense variant. On other transcripts: non-coding transcript variant (1).
Genome position (GRCh38, 1-based): chr3:47,062,197, C>T on the plus strand (G>A on the coding strand, the complement: SETD2 is on the minus strand). VCF-style: chr3-47062197-C-T. GRCh37 (hg19) VCF-style: chr3-47103687-C-T.
Other names: c.6127G>A, p.Ala2043Thr (NM_001349370.3); short protein forms A2043T, A2087T.
Identifiers: ClinVar variation 3365640 (VCV003365640.1).

ClinVar aggregate classification (germline): Uncertain significance (1 of 4 stars; one submission).

Submission:

GeneDx
Classification: Uncertain significance. Last evaluated: 2023-12-15. Review status: criteria provided, single submitter. Criteria: GeneDx Variant Classification Process June 2021. Collection method: clinical testing. Allele origin: germline. Affected: yes.
Comment: Not observed at significant frequency in large population cohorts (gnomAD); In silico analysis supports that this missense variant does not alter protein structure/function; Has not been previously published as pathogenic or benign to our knowledge